The following is an entry in ClinVar:

NM_004329.3(BMPR1A):c.789C>G (p.Phe263Leu)

Gene: BMPR1A (bone morphogenetic protein receptor type 1A; plus strand). Cytogenetic location: 10q23.2.
Variant type: single nucleotide variant.
Coding change: c.789C>G on transcript NM_004329.3 (MANE Select); coding-DNA position 789, C replaced by G.
Protein change: p.Phe263Leu; replaces phenylalanine 263 with leucine.
Molecular consequence: missense variant.
Genome position (GRCh38, 1-based): chr10:86,917,247, C>G. VCF-style: chr10-86917247-C-G. GRCh37 (hg19) VCF-style: chr10-88677004-C-G.
Other names: short protein forms F263L.
Identifiers: ClinVar variation 1010110 (VCV001010110.9), dbSNP rs771932684, ClinGen allele CA377458130.

ClinVar aggregate classification (germline): Uncertain significance (1 of 4 stars; one submission).

Conditions:
Juvenile polyposis syndrome (JPS). Identifiers: Orphanet 2929, MedGen C0345893, MONDO:0017380, OMIM 174900.

Submission:

Labcorp Genetics (formerly Invitae), Labcorp
Classification: Uncertain significance for Juvenile polyposis syndrome. Last evaluated: 2020-11-01. Review status: criteria provided, single submitter. Criteria: Invitae Variant Classification Sherloc (09022015). Collection method: clinical testing. Allele origin: germline.
Comment: In summary, the available evidence is currently insufficient to determine the role of this variant in disease. Therefore, it has been classified as a Variant of Uncertain Significance. Advanced modeling of protein sequence and biophysical properties (such as structural, functional, and spatial information, amino acid conservation, physicochemical variation, residue mobility, and thermodynamic stability) performed at Invitae indicates that this missense variant is expected to disrupt BMPR1A protein function. This variant has not been reported in the literature in individuals with BMPR1A-related conditions. This variant is not present in population databases (ExAC no frequency). This sequence change replaces phenylalanine with leucine at codon 263 of the BMPR1A protein (p.Phe263Leu). The phenylalanine residue is highly conserved and there is a small physicochemical difference between phenylalanine and leucine.